The following is an entry in ClinVar:

ClinVar aggregate classification (germline): Uncertain significance. Review status: criteria provided, multiple submitters, no conflicts (2 of 4 stars). 12 submissions from 12 submitters: Uncertain significance (10). 2 of the submissions do not count toward it. Last evaluated 2026-01-27.

Conditions:
Cardiovascular phenotype. Identifiers: MedGen CN230736.
Left ventricular noncompaction 10 (LVNC10). Identifiers: Orphanet 154, Orphanet 54260, MedGen C3715165, MONDO:0014163, OMIM 615396.
Hypertrophic cardiomyopathy 4. Also called: Familial hypertrophic cardiomyopathy 4. Identifiers: MedGen C1861862, MONDO:0007268, OMIM 115197.
Cardiomyopathy (CMYO). Also called: Cardiomyopathies. Identifiers: Orphanet 167848, MedGen C0878544, MONDO:0004994, HP:0001638. Inheritance: Various modes of inheritance.
Primary familial hypertrophic cardiomyopathy (HCM). Identifiers: Orphanet 99739, MedGen C0949658, MeSH D024741, MONDO:0024573. Inheritance: Various modes of inheritance.
Hypertrophic cardiomyopathy. Also called: HYPERTROPHIC MYOCARDIOPATHY. Identifiers: Orphanet 217569, MedGen C0007194, MeSH D002312, MONDO:0005045, HP:0001639.

Allele frequency attached by ClinVar (database versions not stated): ESP Exome Variant Server 0.00008; gnomAD 0.00001; TOPMed 0.00002; gnomAD exomes 0.00006 and 0.00007; ExAC 0.00007.
gnomAD v4.1: 107 of 1,613,958 alleles (0.0066%); highest among the groups gnomAD compares: Non-Finnish European, 0.0082%; no homozygotes.

Submissions (12):

Labcorp Genetics (formerly Invitae), Labcorp
Classification: Uncertain significance for Hypertrophic cardiomyopathy. Last evaluated: 2026-01-27. Review status: criteria provided, single submitter. Criteria: Invitae Variant Classification Sherloc (09022015). Collection method: clinical testing. Allele origin: germline.
Comment: This sequence change replaces valine, which is neutral and non-polar, with methionine, which is neutral and non-polar, at codon 757 of the MYBPC3 protein (p.Val757Met). This variant is present in population databases (rs369790992, gnomAD 0.01%). This missense change has been observed in individual(s) with hypertrophic cardiomyopathy (PMID: 24111713, 27532257, 37652022). ClinVar contains an entry for this variant (Variation ID: 161309). An algorithm developed to predict the effect of missense changes on protein structure and function (PolyPhen-2) suggests that this variant is likely to be disruptive. In summary, the available evidence is currently insufficient to determine the role of this variant in disease. Therefore, it has been classified as a Variant of Uncertain Significance.

All of Us Research Program, National Institutes of Health
Classification: Uncertain significance for Hypertrophic cardiomyopathy. Last evaluated: 2024-08-06. Review status: criteria provided, single submitter. Criteria: ACMG Guidelines, 2015. Collection method: clinical testing. Allele origin: germline. Inheritance: Autosomal dominant inheritance. Observed: 19 variant alleles, 19 heterozygotes.
Comment: This missense variant replaces valine with methionine at codon 757 of the MYBPC3 protein. Computational prediction suggests that this variant may not impact protein structure and function (internally defined REVEL score threshold <= 0.5, PMID: 27666373). To our knowledge, functional studies have not been reported for this variant. This variant has been reported in three individuals affected with hypertrophic cardiomyopathy (PMID: 24111713, 27532257). This variant has been identified in 16/249212 chromosomes in the general population by the Genome Aggregation Database (gnomAD). The available evidence is insufficient to determine the role of this variant in disease conclusively. Therefore, this variant is classified as a Variant of Uncertain Significance.

This study involves interpretation of variants in research participants for the purpose of population health screening. Participant phenotype was not available at the time of variant classification. Additional details can be found in publication PMID: 35346344, PMCID: PMC8962531

ARUP Laboratories, Molecular Genetics and Genomics, ARUP Laboratories
Classification: Uncertain significance. Last evaluated: 2023-12-29. Review status: criteria provided, single submitter. Criteria: ARUP Molecular Germline Variant Investigation Process 2024. Collection method: clinical testing. Allele origin: germline.
Comment: The MYBPC3 c.2269G>A; p.Val757Met variant (rs369790992) is reported in the literature in individuals affected with hypertrophic cardiomyopathy (Berge 2014, McGurk 2023, Walsh 2017). This variant is reported in ClinVar (Variation ID: 161309), and is found in the general population with an overall allele frequency of 0.006% (16/249,212 alleles) in the Genome Aggregation Database (v2.1.1). Computational analyses are uncertain whether this variant is neutral or deleterious (REVEL: 0.476). Due to limited information, the clinical significance of this variant is uncertain at this time. References: Berge KE and Leren TP. Genetics of hypertrophic cardiomyopathy in Norway. Clin Genet. 2014 Oct;86(4):355-60. PMID: 24111713. McGurk KA et al. The penetrance of rare variants in cardiomyopathy-associated genes: A cross-sectional approach to estimating penetrance for secondary findings. Am J Hum Genet. 2023 Sep 7;110(9):1482-1495. PMID: 37652022. Walsh R et al. Reassessment of Mendelian gene pathogenicity using 7,855 cardiomyopathy cases and 60,706 reference samples. Genet Med. 2017 Feb;19(2):192-203. PMID: 27532257.

Ambry Genetics
Classification: Uncertain significance for Cardiovascular phenotype. Last evaluated: 2023-12-11. Review status: criteria provided, single submitter. Criteria: Ambry Variant Classification Scheme 2023. Collection method: clinical testing. Allele origin: germline.
Comment: The p.V757M variant (also known as c.2269G>A), located in coding exon 23 of the MYBPC3 gene, results from a G to A substitution at nucleotide position 2269. The valine at codon 757 is replaced by methionine, an amino acid with highly similar properties. This variant has been reported in hypertrophic cardiomyopathy (HCM) genetic testing cohorts; however, limited clinical details were provided (Berge KE et al. Clin. Genet., 2014 Oct;86:355-60; Walsh R et al. Genet. Med., 2017 02;19:192-203). This variant has also been seen in exome cohorts, but cardiovascular history was not provided (Andreasen C et al. Eur. J. Hum. Genet., 2013 Sep;21:918-28; Amendola LM et al. Genome Res., 2015 Mar;25:305-15; Whiffin N et al. Genet. Med., 2017 10;19:1151-1158). This amino acid position is not well conserved in available vertebrate species. In addition, the in silico prediction for this alteration is inconclusive. Since supporting evidence is limited at this time, the clinical significance of this alteration remains unclear.

Blueprint Genetics
Classification: Uncertain significance. Last evaluated: 2023-12-11. Review status: criteria provided, single submitter. Criteria: ACMG Guidelines, 2015. Collection method: clinical testing. Allele origin: germline.

Color Diagnostics, LLC DBA Color Health
Classification: Uncertain significance for Cardiomyopathy. Last evaluated: 2023-11-27. Review status: criteria provided, single submitter. Criteria: ACMG Guidelines, 2015. Collection method: clinical testing. Allele origin: germline.
Comment: This missense variant replaces valine with methionine at codon 757 of the MYBPC3 protein. Computational prediction indicates that this variant may have a neutral impact on protein structure and function. To our knowledge, functional studies have not been reported for this variant. This variant has been reported in three individuals affected with hypertrophic cardiomyopathy (PMID: 24111713, 27532257). This variant has been identified in 16/249212 chromosomes in the general population by the Genome Aggregation Database (gnomAD). The available evidence is insufficient to determine the role of this variant in disease conclusively. Therefore, this variant is classified as a Variant of Uncertain Significance.

GeneDx
Classification: Uncertain significance. Last evaluated: 2022-01-13. Review status: criteria provided, single submitter. Criteria: GeneDx Variant Classification Process June 2021. Collection method: clinical testing. Allele origin: germline. Affected: yes.
Comment: Observed in individuals with HCM (Berge et al., 2014; Walsh et al., 2017); In silico analysis supports that this missense variant does not alter protein structure/function; Reported in ClinVar (ClinVar Variant ID #161309); This variant is associated with the following publications: (PMID: 25637381, 23299917, 21415409, 27532257, 28518168, 28679633, 24111713)

Fulgent Genetics
Classification: Uncertain significance for Hypertrophic cardiomyopathy 4; Left ventricular noncompaction 10. Last evaluated: 2021-10-29. Review status: criteria provided, single submitter. Criteria: ACMG Guidelines, 2015. Collection method: clinical testing. Allele origin: unknown.

Stanford Center for Inherited Cardiovascular Disease, Stanford University
Classification: Uncertain significance. Last evaluated: 2011-11-16. Review status: criteria provided, single submitter. Criteria: ACMG Guidelines, 2015. Collection method: provider interpretation. Allele origin: germline.

Breakthrough Genomics
Classification: Uncertain significance. Review status: criteria provided, single submitter. Criteria: ACMG Guidelines, 2015. Collection method: not provided. Allele origin: germline. Inheritance: Autosomal recessive inheritance. Affected: yes.

CSER _CC_NCGL, University of Washington
Classification: Uncertain significance for Cardiomyopathy, hypertrophic. Last evaluated: 2014-06-01. Review status: no assertion criteria provided. Collection method: research. Allele origin: germline. Inheritance: Autosomal dominant inheritance. Study: ESP 6500 variant annotation. Not counted in ClinVar's aggregate classification.
Comment: Variants classified for the Actionable exomic incidental findings in 6503 participants: challenges of variant classification manuscript

Laboratory for Molecular Medicine, Mass General Brigham Personalized Medicine
Classification: Uncertain significance. Last evaluated: 2013-02-12. Review status: no assertion criteria provided. Collection method: clinical testing. Allele origin: germline. Observed: 1 variant allele. Not counted in ClinVar's aggregate classification.
Comment: proposed classification - variant undergoing re-assessment, contact laboratory

Literature cited by the submitters: PubMed 24111713 (cited by 4 submitters); PubMed 27532257 (cited by 4 submitters); PubMed 37652022 (cited by Labcorp Genetics (formerly Invitae), Labcorp); PubMed 21415409 (cited by Ambry Genetics and Laboratory for Molecular Medicine, Mass General Brigham Personalized Medicine); PubMed 23299917 (cited by Ambry Genetics and Laboratory for Molecular Medicine, Mass General Brigham Personalized Medicine); PubMed 25637381 (cited by Ambry Genetics); PubMed 28518168 (cited by Ambry Genetics).

NM_000256.3(MYBPC3):c.2269G>A (p.Val757Met)

Gene: MYBPC3 (myosin binding protein C3; minus strand). Cytogenetic location: 11p11.2.
Variant type: single nucleotide variant.
Coding change: c.2269G>A on transcript NM_000256.3 (MANE Select); coding-DNA position 2269, G replaced by A.
Protein change: p.Val757Met; replaces valine 757 with methionine.
Molecular consequence: missense variant.
Genome position (GRCh38, 1-based): chr11:47,338,559, C>T on the plus strand (G>A on the coding strand, the complement: MYBPC3 is on the minus strand). VCF-style: chr11-47338559-C-T. GRCh37 (hg19) VCF-style: chr11-47360110-C-T.
Other names: p.V757M:GTG>ATG; short protein forms V757M.
Identifiers: ClinVar variation 161309 (VCV000161309.32), dbSNP rs369790992, ClinGen allele CA011961.